The following is an entry in ClinVar:

NM_006206.6(PDGFRA):c.526C>G (p.Gln176Glu)

Gene: PDGFRA (platelet derived growth factor receptor alpha; plus strand). Cytogenetic location: 4q12.
Variant type: single nucleotide variant.
Coding change: c.526C>G on transcript NM_006206.6 (MANE Select); coding-DNA position 526, C replaced by G.
Protein change: p.Gln176Glu; replaces glutamine 176 with glutamic acid.
Molecular consequence: missense variant.
Genome position (GRCh38, 1-based): chr4:54,263,825, C>G. VCF-style: chr4-54263825-C-G. GRCh37 (hg19) VCF-style: chr4-55129992-C-G.
Other names: c.526C>G (NM_006206.4); c.526C>G, p.Gln176Glu (NM_001347827.2, NM_001347829.2); c.601C>G, p.Gln201Glu (NM_001347828.2); c.565C>G, p.Gln189Glu (NM_001347830.2); short protein forms Q189E, Q201E, Q176E.
Identifiers: ClinVar variation 1429800 (VCV001429800.9), dbSNP rs2110252615, ClinGen allele CA356890013.

ClinVar aggregate classification (germline): Uncertain significance. Review status: criteria provided, multiple submitters, no conflicts (2 of 4 stars). 2 submissions from 2 submitters: Uncertain significance (2). Last evaluated 2026-05-27.

Conditions:
Hereditary cancer-predisposing syndrome. Also called: Tumor predisposition; Hereditary Cancer Syndrome; Hereditary neoplastic syndrome; Neoplastic Syndromes, Hereditary. Identifiers: Orphanet 140162, MedGen C0027672, MeSH D009386, MONDO:0015356.
Gastrointestinal stromal tumor. Also called: Gastrointestinal stroma tumor; Gastrointestinal stromal tumor, somatic. Identifiers: Orphanet 44890, MedGen C0238198, MeSH D046152, MONDO:0011719, OMIM 606764, HP:0100723.

Submissions (2):

Ambry Genetics
Classification: Uncertain significance for Hereditary cancer-predisposing syndrome. Last evaluated: 2026-05-27. Review status: criteria provided, single submitter. Criteria: Ambry Variant Classification Scheme 2023. Collection method: clinical testing. Allele origin: germline.
Comment: The p.Q176E variant (also known as c.526C>G), located in coding exon 3 of the PDGFRA gene, results from a C to G substitution at nucleotide position 526. The glutamine at codon 176 is replaced by glutamic acid, an amino acid with highly similar properties. This amino acid position is conserved. In addition, this alteration is predicted to be tolerated by in silico analysis. Based on the available evidence, the clinical significance of this variant remains unclear.

Labcorp Genetics (formerly Invitae), Labcorp
Classification: Uncertain significance for Gastrointestinal stromal tumor. Last evaluated: 2023-10-13. Review status: criteria provided, single submitter. Criteria: Invitae Variant Classification Sherloc (09022015). Collection method: clinical testing. Allele origin: germline.
Comment: This sequence change replaces glutamine, which is neutral and polar, with glutamic acid, which is acidic and polar, at codon 176 of the PDGFRA protein (p.Gln176Glu). This variant is not present in population databases (gnomAD no frequency). This variant has not been reported in the literature in individuals affected with PDGFRA-related conditions. ClinVar contains an entry for this variant (Variation ID: 1429800). Advanced modeling of protein sequence and biophysical properties (such as structural, functional, and spatial information, amino acid conservation, physicochemical variation, residue mobility, and thermodynamic stability) performed at Invitae indicates that this missense variant is not expected to disrupt PDGFRA protein function. In summary, the available evidence is currently insufficient to determine the role of this variant in disease. Therefore, it has been classified as a Variant of Uncertain Significance.